The following is an entry in ClinVar:

NM_000384.3(APOB):c.11707A>G (p.Lys3903Glu)

Gene: APOB (apolipoprotein B; minus strand). Cytogenetic location: 2p24.1.
Variant type: single nucleotide variant.
Coding change: c.11707A>G on transcript NM_000384.3 (MANE Select); coding-DNA position 11707, A replaced by G.
Protein change: p.Lys3903Glu; replaces lysine 3903 with glutamic acid.
Molecular consequence: missense variant.
Genome position (GRCh38, 1-based): chr2:21,005,161, T>C on the plus strand (A>G on the coding strand, the complement: APOB is on the minus strand). VCF-style: chr2-21005161-T-C. GRCh37 (hg19) VCF-style: chr2-21228033-T-C.
Other names: short protein forms K3903E.
Identifiers: ClinVar variation 3307457 (VCV003307457.1).

ClinVar aggregate classification (germline): Uncertain significance (1 of 4 stars; one submission).

Conditions:
Cardiovascular phenotype. Identifiers: MedGen CN230736.

Submission:

Ambry Genetics
Classification: Uncertain significance for Cardiovascular phenotype. Last evaluated: 2024-03-24. Review status: criteria provided, single submitter. Criteria: Ambry Variant Classification Scheme 2023. Collection method: clinical testing. Allele origin: germline.
Comment: The p.K3903E variant (also known as c.11707A>G), located in coding exon 26 of the APOB gene, results from an A to G substitution at nucleotide position 11707. The lysine at codon 3903 is replaced by glutamic acid, an amino acid with similar properties. This amino acid position is conserved. In addition, this alteration is predicted to be tolerated by in silico analysis. Based on the available evidence, the clinical significance of this alteration remains unclear.